The following is an entry in ClinVar:

ClinVar aggregate classification (germline): Uncertain significance (1 of 4 stars; one submission).

Allele frequency attached by ClinVar (database versions not stated): gnomAD exomes below 0.00001.
gnomAD v4.1: 2 of 1,614,110 alleles (0.00012%); highest among the groups gnomAD compares: Non-Finnish European, 0.00017%; no homozygotes.

Submission:

Labcorp Genetics (formerly Invitae), Labcorp
Classification: Uncertain significance. Last evaluated: 2025-07-21. Review status: criteria provided, single submitter. Criteria: Invitae Variant Classification Sherloc (09022015). Collection method: clinical testing. Allele origin: germline.
Comment: This sequence change replaces isoleucine, which is neutral and non-polar, with threonine, which is neutral and polar, at codon 1266 of the COL2A1 protein (p.Ile1266Thr). This variant is not present in population databases (gnomAD no frequency). This variant has not been reported in the literature in individuals affected with COL2A1-related conditions. ClinVar contains an entry for this variant (Variation ID: 2985180). Invitae Evidence Modeling of protein sequence and biophysical properties (such as structural, functional, and spatial information, amino acid conservation, physicochemical variation, residue mobility, and thermodynamic stability) indicates that this missense variant is expected to disrupt COL2A1 protein function with a positive predictive value of 95%. In summary, the available evidence is currently insufficient to determine the role of this variant in disease. Therefore, it has been classified as a Variant of Uncertain Significance.

NM_001844.5(COL2A1):c.3797T>C (p.Ile1266Thr)

Gene: COL2A1 (collagen type II alpha 1 chain; minus strand). Cytogenetic location: 12q13.11.
Variant type: single nucleotide variant.
Coding change: c.3797T>C on transcript NM_001844.5 (MANE Select); coding-DNA position 3797, T replaced by C.
Protein change: p.Ile1266Thr; replaces isoleucine 1266 with threonine.
Molecular consequence: missense variant.
Genome position (GRCh38, 1-based): chr12:47,975,406, A>G on the plus strand (T>C on the coding strand, the complement: COL2A1 is on the minus strand). VCF-style: chr12-47975406-A-G. GRCh37 (hg19) VCF-style: chr12-48369189-A-G.
Other names: c.3590T>C, p.Ile1197Thr (NM_033150.3); short protein forms I1197T, I1266T.
Identifiers: ClinVar variation 2985180 (VCV002985180.3), dbSNP rs2540099879, ClinGen allele CA384536669.
Genomic context (GRCh38, chr12:47,975,406, plus strand): 5'-AGGTCTCTGCAGGTGCGAGCAGGGTTCTTGCGGGAGCCCTCGGGGCTGCGGATGCTCTCA[A>G]TCTGGTTGTTGAGGGACTTGAGTGTGGCATCCACCTCGGCGTCATGCTGTCTCAGGCCAC-3'
Protein context (NP_001835.3, residues 1256-1276): DATLKSLNNQ[Ile1266Thr]ESIRSPEGSR